The following is an entry in ClinVar:

ClinVar aggregate classification (germline): Uncertain significance (1 of 4 stars; one submission).

Allele frequency attached by ClinVar (database versions not stated): gnomAD 0.00003; gnomAD exomes 0.00004; TOPMed 0.00005; ExAC 0.00007; ESP Exome Variant Server 0.00015.
gnomAD v4.1: 60 of 1,613,458 alleles (0.0037%); highest among the groups gnomAD compares: Middle Eastern, 0.033%; no homozygotes.

Submission:

GeneDx
Classification: Uncertain significance. Last evaluated: 2023-01-18. Review status: criteria provided, single submitter. Criteria: GeneDx Variant Classification Process June 2021. Collection method: clinical testing. Allele origin: germline. Affected: yes.
Comment: In silico analysis supports that this missense variant does not alter protein structure/function; Has not been previously published as pathogenic or benign to our knowledge

NM_173560.4(RFX6):c.1304C>T (p.Thr435Ile)

Gene: RFX6 (regulatory factor X6; plus strand). Cytogenetic location: 6q22.1.
Variant type: single nucleotide variant.
Coding change: c.1304C>T on transcript NM_173560.4 (MANE Select); coding-DNA position 1304, C replaced by T.
Protein change: p.Thr435Ile; replaces threonine 435 with isoleucine.
Molecular consequence: missense variant.
Genome position (GRCh38, 1-based): chr6:116,920,431, C>T. VCF-style: chr6-116920431-C-T. GRCh37 (hg19) VCF-style: chr6-117241594-C-T.
Other names: short protein forms T435I.
Identifiers: ClinVar variation 2573731 (VCV002573731.1), dbSNP rs148423198, ClinGen allele CA3973260.